The following is an entry in ClinVar:

NM_018180.3(DHX32):c.1541C>A (p.Thr514Lys)

Genes: DHX32 (DEAH-box helicase 32 (putative); minus strand), BCCIP (BRCA2 and CDKN1A interacting protein; plus strand). Cytogenetic location: 10q26.2.
Variant type: single nucleotide variant.
Coding change: c.1541C>A on transcript NM_018180.3 (MANE Select); coding-DNA position 1541, C replaced by A.
Protein change: p.Thr514Lys; replaces threonine 514 with lysine.
Molecular consequence: missense variant. On other transcripts: 3 prime UTR variant (1), intron variant (1).
Genome position (GRCh38, 1-based): chr10:125,841,745, G>T on the plus strand (C>A on the coding strand, the complement: DHX32 is on the minus strand). VCF-style: chr10-125841745-G-T. GRCh37 (hg19) VCF-style: chr10-127530314-G-T.
Other names: c.*386G>T (NM_078469.3); c.850+415G>T (NM_016567.4); short protein forms T514K.
Identifiers: ClinVar variation 3688527 (VCV003688527.2).

ClinVar aggregate classification (germline): Uncertain significance (1 of 4 stars; one submission).

Submission:

Labcorp Genetics (formerly Invitae), Labcorp
Classification: Uncertain significance. Last evaluated: 2024-03-20. Review status: criteria provided, single submitter. Criteria: Invitae Variant Classification Sherloc (09022015). Collection method: clinical testing. Allele origin: germline.
Comment: This sequence change replaces threonine, which is neutral and polar, with lysine, which is basic and polar, at codon 514 of the DHX32 protein (p.Thr514Lys). This variant is not present in population databases (gnomAD no frequency). This variant has not been reported in the literature in individuals affected with DHX32-related conditions. An algorithm developed to predict the effect of missense changes on protein structure and function (PolyPhen-2) suggests that this variant is likely to be disruptive. In summary, the available evidence is currently insufficient to determine the role of this variant in disease. Therefore, it has been classified as a Variant of Uncertain Significance.